The following is an entry in ClinVar:

ClinVar aggregate classification (germline): Uncertain significance (1 of 4 stars; one submission).

Conditions:
Inborn genetic diseases. Identifiers: MedGen C0950123, MeSH D030342.

Submission:

Ambry Genetics
Classification: Uncertain significance for Inborn genetic diseases. Last evaluated: 2025-01-17. Review status: criteria provided, single submitter. Criteria: Ambry Variant Classification Scheme 2023. Collection method: clinical testing. Allele origin: germline.
Comment: The p.K119Q variant (also known as c.355A>C), located in coding exon 3 of the CEP57 gene, results from an A to C substitution at nucleotide position 355. The lysine at codon 119 is replaced by glutamine, an amino acid with similar properties. This amino acid position is conserved. In addition, this alteration is predicted to be tolerated by in silico analysis. Based on the available evidence, the clinical significance of this variant remains unclear.

NM_014679.5(CEP57):c.355A>C (p.Lys119Gln)

Gene: CEP57 (centrosomal protein 57; plus strand). Cytogenetic location: 11q21.
Variant type: single nucleotide variant.
Coding change: c.355A>C on transcript NM_014679.5 (MANE Select); coding-DNA position 355, A replaced by C.
Protein change: p.Lys119Gln; replaces lysine 119 with glutamine.
Molecular consequence: missense variant.
Genome position (GRCh38, 1-based): chr11:95,813,084, A>C. VCF-style: chr11-95813084-A-C. GRCh37 (hg19) VCF-style: chr11-95546248-A-C.
Other names: c.328A>C, p.Lys110Gln (NM_001243776.2); c.355A>C, p.Lys119Gln (NM_001243777.2); c.274A>C, p.Lys92Gln (NM_001363604.2); short protein forms K92Q, K110Q, K119Q.
Identifiers: ClinVar variation 3831965 (VCV003831965.1).